The following is an entry in ClinVar:

ClinVar aggregate classification (germline): Conflicting classifications of pathogenicity. Review status: criteria provided, conflicting classifications (1 of 4 stars). 4 submissions from 4 submitters: Uncertain significance (3); Likely benign (1). Last evaluated 2024-10-06.

Conditions:
Hereditary cancer-predisposing syndrome. Also called: Hereditary neoplastic syndrome; Neoplastic Syndromes, Hereditary; Tumor predisposition; Hereditary Cancer Syndrome. Identifiers: Orphanet 140162, MedGen C0027672, MeSH D009386, MONDO:0015356.
Hereditary diffuse gastric adenocarcinoma (HDGC). Also called: DIFFUSE GASTRIC AND LOBULAR BREAST CANCER SYNDROME. Identifiers: Orphanet 26106, MedGen C1708349, MONDO:0007648, OMIM 137215.

Allele frequency attached by ClinVar (database versions not stated): gnomAD exomes below 0.00001; TOPMed below 0.00001.
gnomAD v4.1: 1 of 1,614,160 alleles (0.000062%); highest among the groups gnomAD compares: Non-Finnish European, 0.000085%; no homozygotes.

Submissions (4):

Labcorp Genetics (formerly Invitae), Labcorp
Classification: Uncertain significance for Hereditary diffuse gastric adenocarcinoma. Last evaluated: 2024-10-06. Review status: criteria provided, single submitter. Criteria: Invitae Variant Classification Sherloc (09022015). Collection method: clinical testing. Allele origin: germline.
Comment: This sequence change replaces isoleucine, which is neutral and non-polar, with threonine, which is neutral and polar, at codon 485 of the CDH1 protein (p.Ile485Thr). This variant is not present in population databases (gnomAD no frequency). This missense change has been observed in individual(s) with ovarian, uterine and thyroid cancer (PMID: 34326862). ClinVar contains an entry for this variant (Variation ID: 483253). An algorithm developed to predict the effect of missense changes on protein structure and function (PolyPhen-2) suggests that this variant is likely to be tolerated. In summary, the available evidence is currently insufficient to determine the role of this variant in disease. Therefore, it has been classified as a Variant of Uncertain Significance.

Ambry Genetics
Classification: Likely benign for Hereditary cancer-predisposing syndrome. Last evaluated: 2024-08-29. Review status: criteria provided, single submitter. Criteria: Ambry Variant Classification Scheme 2023. Collection method: clinical testing. Allele origin: germline.

Color Diagnostics, LLC DBA Color Health
Classification: Uncertain significance for Hereditary cancer-predisposing syndrome. Last evaluated: 2023-12-05. Review status: criteria provided, single submitter. Criteria: ACMG Guidelines, 2015. Collection method: clinical testing. Allele origin: germline.
Comment: This missense variant replaces isoleucine with threonine at codon 485 of the CDH1 protein. To our knowledge, functional studies have not been reported for this variant. This variant has not been reported in individuals affected with hereditary cancer in the literature. This variant has not been identified in the general population by the Genome Aggregation Database (gnomAD). The available evidence is insufficient to determine the role of this variant in disease conclusively. Therefore, this variant is classified as a Variant of Uncertain Significance.

Women's Health and Genetics/Laboratory Corporation of America, LabCorp
Classification: Uncertain significance. Last evaluated: 2017-10-26. Review status: criteria provided, single submitter. Criteria: LabCorp Variant Classification Summary - May 2015. Collection method: clinical testing. Allele origin: germline.
Comment: Variant summary: The CDH1 c.1454T>C (p.Ile485Thr) variant involves the alteration of a conserved nucleotide that lies within one of the cadherin domains (InterPro). 2/4 in silico tools predict a benign outcome for this variant (SNPsandGO not captured due to low reliability index). This variant is absent in 246266 control chromosomes. The variant of interest has not, to our knowledge, been reported in affected individuals via publications and/or reputable databases/clinical diagnostic laboratories; nor evaluated for functional impact by in vivo/vitro studies. Because of the absence of clinical information and the lack of functional studies, the variant is classified as a variant of uncertain significance (VUS) until additional information becomes available.

Literature cited by the submitters: PubMed 34326862 (cited by Labcorp Genetics (formerly Invitae), Labcorp).

NM_004360.5(CDH1):c.1454T>C (p.Ile485Thr)

Gene: CDH1 (cadherin 1; plus strand). Cytogenetic location: 16q22.1.
Variant type: single nucleotide variant.
Coding change: c.1454T>C on transcript NM_004360.5 (MANE Select); coding-DNA position 1454, T replaced by C.
Protein change: p.Ile485Thr; replaces isoleucine 485 with threonine.
Molecular consequence: missense variant. On other transcripts: 5 prime UTR variant (2).
Genome position (GRCh38, 1-based): chr16:68,815,648, T>C. VCF-style: chr16-68815648-T-C. GRCh37 (hg19) VCF-style: chr16-68849551-T-C.
Other names: c.1454T>C (LRG_301t1); c.1271T>C, p.Ile424Thr (NM_001317184.2); c.-95T>C (NM_001317185.2); c.-366T>C (NM_001317186.2); short protein forms I485T, I424T.
Identifiers: ClinVar variation 483253 (VCV000483253.22), dbSNP rs587783049, ClinGen allele CA283308251.